The following is an entry in ClinVar:

ClinVar aggregate classification (germline): Pathogenic (1 of 4 stars; one submission).

Conditions:
Congenital adrenal hypoplasia, X-linked (AHC). Also called: Isolated X-Linked Adrenal Hypoplasia Congenita; X-linked AHC; X-Linked Adrenal Hypoplasia Congenita; ADRENAL HYPOPLASIA, CONGENITAL, WITH HYPOGONADOTROPIC HYPOGONADISM. Identifiers: Orphanet 95702, MedGen C0342482, MONDO:0010264, OMIM 300200. Disease mechanism: loss of function.
46,XY sex reversal 2. Also called: NR0B1-Related 46,XY CGD; NR0B1-related 46,XY complete gonadal dysgenesis; Dosage-sensitive sex reversal; 46,XY SEX REVERSAL, DAX1-RELATED; 46XY sex reversal 2, dosage-sensitive. Identifiers: MedGen C1848296, MONDO:0010226, OMIM 300018.

Submission:

Labcorp Genetics (formerly Invitae), Labcorp
Classification: Pathogenic for Congenital adrenal hypoplasia, X-linked; 46,XY sex reversal 2. Last evaluated: 2025-09-22. Review status: criteria provided, single submitter. Criteria: Invitae Variant Classification Sherloc (09022015). Collection method: clinical testing. Allele origin: germline.
Comment: This sequence change creates a premature translational stop signal (p.Cys135Valfs*129) in the NR0B1 gene. It is expected to result in an absent or disrupted protein product. Loss-of-function variants in NR0B1 are known to be pathogenic (PMID: 7990958, 15841486). This variant is not present in population databases (gnomAD no frequency). This variant has not been reported in the literature in individuals affected with NR0B1-related conditions. For these reasons, this variant has been classified as Pathogenic.

Literature cited by the submitters: PubMed 7990958; PubMed 15841486.

NM_000475.5(NR0B1):c.399del (p.Cys135fs)

Gene: NR0B1 (nuclear receptor subfamily 0 group B member 1; minus strand). Cytogenetic location: Xp21.2.
Variant type: Deletion.
Coding change: c.399del on transcript NM_000475.5 (MANE Select); coding-DNA position 399, one base deleted (C; older notation c.399delC).
Protein change: p.Cys135fs; shifts the reading frame from cysteine 135.
Molecular consequence: frameshift variant.
Genome position (GRCh38, 1-based): chrX:30,308,965, G deleted on the plus strand (C on the coding strand, the reverse complement: NR0B1 is on the minus strand). VCF-style (leftmost placement, unchanged base first): chrX-30308964-AG-A. GRCh37 (hg19) VCF-style: chrX-30327081-AG-A.
Other names: short protein forms C135fs.
Identifiers: ClinVar variation 4786198 (VCV004786198.1).